The following is an entry in ClinVar:

NM_016239.4(MYO15A):c.4607G>T (p.Arg1536Leu)

Gene: MYO15A (myosin XVA; plus strand). Cytogenetic location: 17p11.2.
Variant type: single nucleotide variant.
Coding change: c.4607G>T on transcript NM_016239.4 (MANE Select); coding-DNA position 4607, G replaced by T.
Protein change: p.Arg1536Leu; replaces arginine 1536 with leucine.
Molecular consequence: missense variant.
Genome position (GRCh38, 1-based): chr17:18,136,427, G>T. VCF-style: chr17-18136427-G-T. GRCh37 (hg19) VCF-style: chr17-18039741-G-T.
Other names: short protein forms R1536L.
Identifiers: ClinVar variation 667270 (VCV000667270.13), dbSNP rs201423655, ClinGen allele CA8423963.

ClinVar aggregate classification (germline): Uncertain significance. Review status: criteria provided, multiple submitters, no conflicts (2 of 4 stars). 5 submissions from 5 submitters: Uncertain significance (5). Last evaluated 2026-08-05.

Conditions:
MYO15A-related disorder. Also called: MYO15A-related condition.
Autosomal recessive nonsyndromic hearing loss 3. Also called: NEUROSENSORY NONSYNDROMIC RECESSIVE DEAFNESS 3. Identifiers: Orphanet 90636, MedGen C1838263, MONDO:0010860, OMIM 600316.

Allele frequency attached by ClinVar (database versions not stated): TOPMed 0.00019; ESP Exome Variant Server 0.00023.
gnomAD v4.1: 599 of 1,613,642 alleles (0.037%); highest among the groups gnomAD compares: Non-Finnish European, 0.049%; no homozygotes.

Submissions (5):

PreventionGenetics, part of Exact Sciences
Classification: Uncertain significance for MYO15A-related condition. Last evaluated: 2026-08-05. Review status: criteria provided, single submitter. Criteria: ACMG Guidelines, 2015. Collection method: clinical testing. Allele origin: germline.
Comment: The MYO15A c.4607G>T variant is predicted to result in the amino acid substitution p.Arg1536Leu. This variant was reported in an individual with hypoplastic left heart syndrome (Theis et al. 2022. PubMed ID: 35133174). This variant is reported in 0.040% of alleles in individuals of European (Non-Finnish) descent in gnomAD. At this time, the clinical significance of this variant is uncertain due to the absence of conclusive functional and genetic evidence.

Blueprint Genetics
Classification: Uncertain significance. Last evaluated: 2024-10-08. Review status: criteria provided, single submitter. Criteria: ACMG Guidelines, 2015. Collection method: clinical testing. Allele origin: germline.

GeneDx
Classification: Uncertain significance. Last evaluated: 2024-09-16. Review status: criteria provided, single submitter. Criteria: GeneDx Variant Classification Process June 2021. Collection method: clinical testing. Allele origin: germline. Affected: yes.
Comment: In silico analysis supports that this missense variant has a deleterious effect on protein structure/function; Has not been previously published as pathogenic or benign in association with MYO15A-related disorders to our knowledge; This variant is associated with the following publications: (PMID: 35133174)

Laboratory for Molecular Medicine, Mass General Brigham Personalized Medicine
Classification: Uncertain significance. Last evaluated: 2018-09-06. Review status: criteria provided, single submitter. Criteria: LMM Criteria. Collection method: clinical testing. Allele origin: germline. Observed: 1 variant allele.
Comment: The p.Arg1536Leu variant in MYO15A has not been previously reported in individua ls with hearing loss but has been identified in 0.04% (52/126590) of European ch romosomes by gnomAD. Computational prediction tools and conservation analysis suggest that this variant may impact the protei n, though this information is not predictive enough to determine pathogenicity. In summary, the clinical significance of the p.Arg1536Leu variant is uncertain. ACMG/AMP Criteria applied: PM2_Supporting, PP3.

Illumina Laboratory Services, Illumina
Classification: Uncertain significance for Autosomal recessive nonsyndromic hearing loss 3. Last evaluated: 2018-01-13. Review status: criteria provided, single submitter. Criteria: ICSL Variant Classification Criteria 13 December 2019. Collection method: clinical testing. Allele origin: germline.